The following is an entry in ClinVar:

ClinVar aggregate classification (germline): Uncertain significance (1 of 4 stars; one submission).

Allele frequency attached by ClinVar (database versions not stated): TOPMed below 0.00001.
gnomAD v4.1: 5 of 1,613,872 alleles (0.00031%); highest among the groups gnomAD compares: Non-Finnish European, 0.00042%; no homozygotes.

Submission:

Labcorp Genetics (formerly Invitae), Labcorp
Classification: Uncertain significance. Last evaluated: 2021-12-19. Review status: criteria provided, single submitter. Criteria: Invitae Variant Classification Sherloc (09022015). Collection method: clinical testing. Allele origin: germline.
Comment: In summary, the available evidence is currently insufficient to determine the role of this variant in disease. Therefore, it has been classified as a Variant of Uncertain Significance. Algorithms developed to predict the effect of missense changes on protein structure and function output the following: SIFT: "Tolerated"; PolyPhen-2: "Possibly Damaging"; Align-GVGD: "Class C0". The proline amino acid residue is found in multiple mammalian species, which suggests that this missense change does not adversely affect protein function. This variant has not been reported in the literature in individuals affected with PCLO-related conditions. This variant is not present in population databases (gnomAD no frequency). This sequence change replaces serine, which is neutral and polar, with proline, which is neutral and non-polar, at codon 554 of the PCLO protein (p.Ser554Pro).

NM_033026.6(PCLO):c.1660T>C (p.Ser554Pro)

Gene: PCLO (piccolo presynaptic cytomatrix protein; minus strand). Cytogenetic location: 7q21.11.
Variant type: single nucleotide variant.
Coding change: c.1660T>C on transcript NM_033026.6 (MANE Select); coding-DNA position 1660, T replaced by C.
Protein change: p.Ser554Pro; replaces serine 554 with proline.
Molecular consequence: missense variant.
Genome position (GRCh38, 1-based): chr7:83,154,981, A>G on the plus strand (T>C on the coding strand, the complement: PCLO is on the minus strand). VCF-style: chr7-83154981-A-G. GRCh37 (hg19) VCF-style: chr7-82784297-A-G.
Other names: c.1660T>C, p.Ser554Pro (NM_014510.3); short protein forms S554P.
Identifiers: ClinVar variation 1347258 (VCV001347258.4), dbSNP rs751464507, ClinGen allele CA367913193.